The following is an entry in ClinVar:

ClinVar aggregate classification (germline): Uncertain significance (0 of 4 stars; one submission).

Conditions:
SCN4A-related disorder. Also called: SCN4A-related disorders.

Allele frequency attached by ClinVar (database versions not stated): gnomAD exomes below 0.00001; ExAC 0.00001.
gnomAD v4.1: 1 of 1,606,240 alleles (0.000062%); highest among the groups gnomAD compares: South Asian, 0.0011%; no homozygotes.

Submission:

PreventionGenetics, part of Exact Sciences
Classification: Uncertain significance for SCN4A-related condition. Last evaluated: 2023-12-05. Review status: no assertion criteria provided. Collection method: clinical testing. Allele origin: germline.
Comment: The SCN4A c.226A>T variant is predicted to result in the amino acid substitution p.Ile76Phe. To our knowledge, this variant has not been reported in the literature. This variant is reported in 0.0034% of alleles in individuals of South Asian descent in gnomAD. At this time, the clinical significance of this variant is uncertain due to the absence of conclusive functional and genetic evidence.

NM_000334.4(SCN4A):c.226A>T (p.Ile76Phe)

Gene: SCN4A (sodium voltage-gated channel alpha subunit 4; minus strand). Cytogenetic location: 17q23.3.
Variant type: single nucleotide variant.
Coding change: c.226A>T on transcript NM_000334.4 (MANE Select); coding-DNA position 226, A replaced by T.
Protein change: p.Ile76Phe; replaces isoleucine 76 with phenylalanine.
Molecular consequence: missense variant.
Genome position (GRCh38, 1-based): chr17:63,972,616, T>A on the plus strand (A>T on the coding strand, the complement: SCN4A is on the minus strand). VCF-style: chr17-63972616-T-A. GRCh37 (hg19) VCF-style: chr17-62049976-T-A.
Other names: short protein forms I76F.
Identifiers: ClinVar variation 3033345 (VCV003033345.2), dbSNP rs758181972, ClinGen allele CA8710251.
Genomic context (GRCh38, chr17:63,972,616, plus strand): 5'-CCCAGGCCCAGACCTTCTTATTGCTGTAGTAGGGATCCAGGTCCTCCAGGGGGATGCCGA[T>A]GACCTCCGGCGGGGGGTCTCCGTAGATCATGGGTAGGTTCTTGCCAGCCTCCAAGTCACT-3'
Protein context (NP_000325.4, residues 66-86): MIYGDPPPEV[Ile76Phe]GIPLEDLDPY